The following is an entry in ClinVar:

ClinVar aggregate classification (germline): Benign/Likely benign. Review status: criteria provided, multiple submitters, no conflicts (2 of 4 stars). 3 submissions from 3 submitters: Benign (1); Likely benign (2). Last evaluated 2025-12-24.

Conditions:
Multiple endocrine neoplasia type 2A. Also called: MULTIPLE ENDOCRINE NEOPLASIA, TYPE IIA; PTC SYNDROME; SIPPLE SYNDROME; MEN 2A; MEN-2A syndrome; Pheochromocytoma and amyloid producing medullary thyroid carcinoma. Identifiers: Orphanet 247698, Orphanet 653, MedGen C0025268, MeSH D018813, MONDO:0008234, OMIM 171400.
Hereditary cancer-predisposing syndrome. Also called: Hereditary Cancer Syndrome; Tumor predisposition; Neoplastic Syndromes, Hereditary; Hereditary neoplastic syndrome. Identifiers: Orphanet 140162, MedGen C0027672, MeSH D009386, MONDO:0015356.
Multiple endocrine neoplasia, type 2 (MEN2). Identifiers: Orphanet 653, MedGen C4048306, MONDO:0019003. Disease mechanism: gain of function.

Allele frequency attached by ClinVar (database versions not stated): gnomAD exomes 0.00001; ExAC 0.00002; TOPMed 0.00002; gnomAD 0.00003 and 0.00004.
gnomAD v4.1: 13 of 1,613,830 alleles (0.00081%); highest among the groups gnomAD compares: African/African-American, 0.0067%; no homozygotes.

Submissions (3):

Labcorp Genetics (formerly Invitae), Labcorp
Classification: Likely benign for Multiple endocrine neoplasia, type 2. Last evaluated: 2025-12-24. Review status: criteria provided, single submitter. Criteria: Invitae Variant Classification Sherloc (09022015). Collection method: clinical testing. Allele origin: germline.

Myriad Genetics, Inc.
Classification: Benign for Multiple endocrine neoplasia type 2A. Last evaluated: 2025-02-27. Review status: criteria provided, single submitter. Criteria: Myriad Autosomal Dominant, Autosomal Recessive and X-Linked Classification Criteria (2023). Collection method: clinical testing. Allele origin: unknown.
Comment: This variant is considered benign. This variant is a silent/synonymous amino acid change and it is not expected to impact splicing.

Ambry Genetics
Classification: Likely benign for Hereditary cancer-predisposing syndrome. Last evaluated: 2023-09-13. Review status: criteria provided, single submitter. Criteria: Ambry Variant Classification Scheme 2023. Collection method: clinical testing. Allele origin: germline.

NM_020975.6(RET):c.2676T>C (p.Asp892=)

Gene: RET (ret proto-oncogene; plus strand). Cytogenetic location: 10q11.21.
Variant type: single nucleotide variant.
Coding change: c.2676T>C on transcript NM_020975.6 (MANE Select); coding-DNA position 2676, T replaced by C.
Protein change: p.Asp892=; no amino-acid change (aspartic acid 892 retained).
Molecular consequence: synonymous variant.
Genome position (GRCh38, 1-based): chr10:43,120,149, T>C. VCF-style: chr10-43120149-T-C. GRCh37 (hg19) VCF-style: chr10-43615597-T-C.
Other names: c.2676T>C, p.Asp892= (NM_000323.2, NM_001406743.1, NM_001406744.1 and 4 more transcripts); c.1914T>C, p.Asp638= (NM_001355216.2); c.2547T>C, p.Asp849= (NM_001406761.1, NM_001406762.1, NM_001406764.1); c.2541T>C, p.Asp847= (NM_001406763.1, NM_001406765.1); c.2388T>C, p.Asp796= (NM_001406766.1, NM_001406767.1, NM_001406770.1); c.2412T>C, p.Asp804= (NM_001406768.1); c.2280T>C, p.Asp760= (NM_001406769.1, NM_001406772.1); c.2238T>C, p.Asp746= (NM_001406771.1, NM_001406773.1); and 10 more.
Identifiers: ClinVar variation 704604 (VCV000704604.15), dbSNP rs768753935, ClinGen allele CA040374.